The following is an entry in ClinVar:

NM_012154.5(AGO2):c.2214G>A (p.Thr738=)

Gene: AGO2 (argonaute RISC catalytic component 2; minus strand). Cytogenetic location: 8q24.3.
Variant type: single nucleotide variant.
Coding change: c.2214G>A on transcript NM_012154.5 (MANE Select); coding-DNA position 2214, G replaced by A.
Protein change: p.Thr738=; no amino-acid change (threonine 738 retained).
Molecular consequence: synonymous variant. On other transcripts: intron variant (1).
Genome position (GRCh38, 1-based): chr8:140,535,525, C>T on the plus strand (G>A on the coding strand, the complement: AGO2 is on the minus strand). VCF-style: chr8-140535525-C-T. GRCh37 (hg19) VCF-style: chr8-141545624-C-T.
Other names: c.2170-2910G>A (NM_001164623.3).
Identifiers: ClinVar variation 5038897 (VCV005038897.1).

ClinVar aggregate classification (germline): Likely benign (1 of 4 stars; one submission).

gnomAD v4.1: 1,026 of 1,614,106 alleles (0.064%); highest among the groups gnomAD compares: Non-Finnish European, 0.013%; 9 homozygotes.

Submission:

CeGaT Center for Human Genetics Tuebingen
Classification: Likely benign. Last evaluated: 2026-07-01. Review status: criteria provided, single submitter. Criteria: CeGaT Center For Human Genetics Tuebingen Variant Classification Criteria Version 2. Collection method: clinical testing. Allele origin: germline. Affected: yes. Observed: 1 variant allele.
Comment: AGO2: BP4, BP7